The following is an entry in ClinVar:

ClinVar aggregate classification (germline): Conflicting classifications of pathogenicity. Review status: criteria provided, conflicting classifications (1 of 4 stars). 3 submissions from 3 submitters: Uncertain significance (1); Benign (1). 1 of the submissions does not count toward it. Last evaluated 2026-04-21.

Conditions:
Hypohidrotic X-linked ectodermal dysplasia (XHED). Also called: Ectodermal Dysplasia 1, Anhidrotic; Anhidrotic ectodermal dysplasia X-linked; Christ Siemens Touraine syndrome; ECTODERMAL DYSPLASIA 1, HYPOHIDROTIC, X-LINKED; ECTODERMAL DYSPLASIA 1, HYPOHIDROTIC/HAIR/TOOTH TYPE, X-LINKED; ECTODERMAL DYSPLASIA, HYPOHIDROTIC, 1. Identifiers: Orphanet 181, Orphanet 238468, MedGen C0162359, MONDO:0010585, OMIM 305100.

Allele frequency attached by ClinVar (database versions not stated): gnomAD 0.00026 and 0.00025; gnomAD exomes 0.00016 and 0.00038; ExAC 0.00019; ESP Exome Variant Server 0.00009; TOPMed 0.00021.
gnomAD v4.1: 443 of 1,209,975 alleles (0.037%); highest among the groups gnomAD compares: Non-Finnish European, 0.045%; no homozygotes.

Submissions (3):

GeneDx
Classification: Uncertain significance. Last evaluated: 2026-04-21. Review status: criteria provided, single submitter. Criteria: GeneDx Variant Classification Process June 2021. Collection method: clinical testing. Allele origin: germline.
Comment: Has not been previously published as pathogenic or benign to our knowledge; Missense variants in this gene are a common cause of disease and they are underrepresented in the general population; In silico analysis suggests that this missense variant does not alter protein structure/function

Labcorp Genetics (formerly Invitae), Labcorp
Classification: Benign for Hypohidrotic X-linked ectodermal dysplasia. Last evaluated: 2026-01-25. Review status: criteria provided, single submitter. Criteria: Invitae Variant Classification Sherloc (09022015). Collection method: clinical testing. Allele origin: germline.

Natera, Inc.
Classification: Likely benign for Christ-Siemens-Touraine syndrome. Last evaluated: 2020-04-11. Review status: no assertion criteria provided. Collection method: clinical testing. Allele origin: germline. Not counted in ClinVar's aggregate classification.

NM_001399.5(EDA):c.464G>A (p.Arg155His)

Gene: EDA (ectodysplasin A; plus strand). Cytogenetic location: Xq13.1.
Variant type: single nucleotide variant.
Coding change: c.464G>A on transcript NM_001399.5 (MANE Select); coding-DNA position 464, G replaced by A.
Protein change: p.Arg155His; replaces arginine 155 with histidine.
Molecular consequence: missense variant.
Genome position (GRCh38, 1-based): chrX:69,957,094, G>A. VCF-style: chrX-69957094-G-A. GRCh37 (hg19) VCF-style: chrX-69176944-G-A.
Other names: c.464G>A, p.Arg155His (NM_001005609.2, NM_001005612.3); short protein forms R155H.
Identifiers: ClinVar variation 702090 (VCV000702090.16), dbSNP rs144403117, ClinGen allele CA10438925.